The following is an entry in ClinVar:

ClinVar aggregate classification (germline): Uncertain significance (1 of 4 stars; one submission).

Conditions:
Severe combined immunodeficiency due to DNA-PKcs deficiency. Also called: IMMUNODEFICIENCY 26 WITH NEUROLOGIC ABNORMALITIES; Immunodeficiency 26 with or without neurologic abnormalities. Identifiers: Orphanet 317425, MedGen C4014833, MONDO:0014423, OMIM 615966.

Allele frequency attached by ClinVar (database versions not stated): gnomAD exomes 0.00001; TOPMed 0.00001; ExAC 0.00003.
gnomAD v4.1: 10 of 1,613,772 alleles (0.00062%); highest among the groups gnomAD compares: Non-Finnish European, 0.00085%; no homozygotes.

Submission:

Labcorp Genetics (formerly Invitae), Labcorp
Classification: Uncertain significance for Severe combined immunodeficiency due to DNA-PKcs deficiency. Last evaluated: 2022-10-24. Review status: criteria provided, single submitter. Criteria: Invitae Variant Classification Sherloc (09022015). Collection method: clinical testing. Allele origin: germline.
Comment: This sequence change replaces serine, which is neutral and polar, with asparagine, which is neutral and polar, at codon 3314 of the PRKDC protein (p.Ser3314Asn). This variant is present in population databases (rs771264909, gnomAD 0.004%). This variant has not been reported in the literature in individuals affected with PRKDC-related conditions. Advanced modeling of protein sequence and biophysical properties (such as structural, functional, and spatial information, amino acid conservation, physicochemical variation, residue mobility, and thermodynamic stability) performed at Invitae indicates that this missense variant is not expected to disrupt PRKDC protein function. In summary, the available evidence is currently insufficient to determine the role of this variant in disease. Therefore, it has been classified as a Variant of Uncertain Significance.

NM_006904.7(PRKDC):c.9941G>A (p.Ser3314Asn)

Gene: PRKDC (protein kinase, DNA-activated, catalytic subunit; minus strand). Cytogenetic location: 8q11.21.
Variant type: single nucleotide variant.
Coding change: c.9941G>A on transcript NM_006904.7 (MANE Select); coding-DNA position 9941, G replaced by A.
Protein change: p.Ser3314Asn; replaces serine 3314 with asparagine.
Molecular consequence: missense variant.
Genome position (GRCh38, 1-based): chr8:47,800,968, C>T on the plus strand (G>A on the coding strand, the complement: PRKDC is on the minus strand). VCF-style: chr8-47800968-C-T. GRCh37 (hg19) VCF-style: chr8-48713529-C-T.
Other names: c.9941G>A, p.Ser3314Asn (NM_001081640.2); short protein forms S3314N.
Identifiers: ClinVar variation 1984194 (VCV001984194.1), dbSNP rs771264909, ClinGen allele CA4739428.
Genomic context (GRCh38, chr8:47,800,968, plus strand): 5'-TAAGTTGTACCCAAGAGAATGTTCTGGTCACGGAAAGCCAGAATATTTTTGCTTAAGTAG[C>T]TTGACACGTTGTTCTCATCTGTTGGATTAAAAAAACAAAACAAAACAAAATTTTGTATGT-3'
Protein context (NP_008835.5, residues 3304-3324): VSLLDENNVS[Ser3314Asn]YLSKNILAFR